The following is an entry in ClinVar:

ClinVar aggregate classification (germline): Benign. Review status: criteria provided, multiple submitters, no conflicts (2 of 4 stars). 2 submissions from 2 submitters: Benign (2). Last evaluated 2018-01-12.

Conditions:
Neonatal diabetes mellitus with congenital hypothyroidism. Also called: NDH SYNDROME. Identifiers: Orphanet 79118, MedGen C1857775, MONDO:0012436, OMIM 610199.

Allele frequency attached by ClinVar (database versions not stated): 1000 Genomes Project 0.07468; 1000 Genomes Project 30x 0.07901; TOPMed 0.09244; gnomAD 0.09474 and 0.09872.

Submissions (2):

Illumina Laboratory Services, Illumina
Classification: Benign for Neonatal diabetes mellitus with congenital hypothyroidism. Last evaluated: 2018-01-12. Review status: criteria provided, single submitter. Criteria: ICSL Variant Classification Criteria 13 December 2019. Collection method: clinical testing. Allele origin: germline.
Comment: This variant was observed in the ICSL laboratory as part of a predisposition screen in an ostensibly healthy population. It had not been previously curated by ICSL or reported in the Human Gene Mutation Database (HGMD: prior to June 1st, 2018), and was therefore a candidate for classification through an automated scoring system. Utilizing variant allele frequency, disease prevalence and penetrance estimates, and inheritance mode, an automated score was calculated to assess if this variant is too frequent to cause the disease. Based on the score and internal cut-off values, a variant classified as benign is not then subjected to further curation. The score for this variant resulted in a classification of benign for this disease.

Breakthrough Genomics
Classification: Benign. Review status: criteria provided, single submitter. Criteria: ACMG Guidelines, 2015. Collection method: not provided. Allele origin: germline. Inheritance: Autosomal recessive inheritance. Affected: yes.

NM_001042413.2(GLIS3):c.*1832A>G

Gene: GLIS3 (GLIS family zinc finger 3; minus strand). Cytogenetic location: 9p24.2.
Variant type: single nucleotide variant.
Coding change: c.*1832A>G on transcript NM_001042413.2 (MANE Select); 1832 bases downstream of the stop codon, A replaced by G.
Molecular consequence: 3 prime UTR variant.
Genome position (GRCh38, 1-based): chr9:3,826,440, T>C on the plus strand (A>G on the coding strand, the complement: GLIS3 is on the minus strand). VCF-style: chr9-3826440-T-C. GRCh37 (hg19) VCF-style: chr9-3826440-T-C.
Other names: c.*1832A>G (NM_152629.4).
Identifiers: ClinVar variation 366925 (VCV000366925.6), dbSNP rs10116901, ClinGen allele CA10634093.
Genomic context (GRCh38, chr9:3,826,440, plus strand): 5'-TCTGCAGGAAGGGTGGTACTTTACAAGCAGCCTTGGAGTTCACTTGTAAAGGAAGCCTGG[T>C]GTGCATCTTTTGTAAAGCAGAGCAGGTTTTTTAAAGTGGCTAACTCATCTCTTTTGCAGA-3'